The following is an entry in ClinVar:

ClinVar aggregate classification (germline): Uncertain significance (1 of 4 stars; one submission).

gnomAD v4.1: 2 of 1,614,002 alleles (0.00012%); highest among the groups gnomAD compares: Non-Finnish European, 0.00017%; no homozygotes.

Submission:

CeGaT Center for Human Genetics Tuebingen
Classification: Uncertain significance. Last evaluated: 2026-02-01. Review status: criteria provided, single submitter. Criteria: CeGaT Center For Human Genetics Tuebingen Variant Classification Criteria Version 2. Collection method: clinical testing. Allele origin: germline. Affected: yes. Observed: 1 variant allele.
Comment: SYNE2: PM2

NM_182914.3(SYNE2):c.6956A>C (p.Asn2319Thr)

Gene: SYNE2 (spectrin repeat containing nuclear envelope protein 2; plus strand). Cytogenetic location: 14q23.2.
Variant type: single nucleotide variant.
Coding change: c.6956A>C on transcript NM_182914.3 (MANE Select); coding-DNA position 6956, A replaced by C.
Protein change: p.Asn2319Thr; replaces asparagine 2319 with threonine.
Molecular consequence: missense variant.
Genome position (GRCh38, 1-based): chr14:64,031,092, A>C. VCF-style: chr14-64031092-A-C. GRCh37 (hg19) VCF-style: chr14-64497810-A-C.
Other names: c.6956A>C, p.Asn2319Thr (NM_015180.6); short protein forms N2319T.
Identifiers: ClinVar variation 4823365 (VCV004823365.4).